The following is an entry in ClinVar:

ClinVar aggregate classification (germline): Conflicting classifications of pathogenicity. Review status: no assertion criteria provided (0 of 4 stars). 2 submissions from 2 submitters: Likely pathogenic (1); Uncertain significance (1). Last evaluated 2025-05-22.

Conditions:
Lysinuric protein intolerance (LPI). Identifiers: Orphanet 470, MedGen C0268647, MONDO:0009109, OMIM 222700.

Submissions (2):

Natera, Inc.
Classification: Uncertain significance for Lysinuric protein intolerance. Last evaluated: 2025-05-22. Review status: no assertion criteria provided. Collection method: clinical testing. Allele origin: germline.

Juha Muilu Group; Institute for Molecular Medicine Finland (FIMM)
Classification: Likely pathogenic for Lysinuric protein intolerance. Review status: no assertion criteria provided. Collection method: not provided. Allele origin: unknown.
Comment: FinDis database variant: This variant was not found or characterized by our laboratory, data were collected from public sources: see reference
ClinVar note: Converted during submission from probable-pathogenic to Likely pathogenic.

NM_001126105.2(SLC7A7):c.14C>T (p.Thr5Ile)

Genes: SLC7A7 (solute carrier family 7 member 7; minus strand), LOC130055324 (ATAC-STARR-seq lymphoblastoid silent region 5590; plus strand). Cytogenetic location: 14q11.2.
Variant type: single nucleotide variant.
Coding change: c.14C>T on transcript NM_001126105.2; coding-DNA position 14, C replaced by T.
Protein change: p.Thr5Ile; replaces threonine 5 with isoleucine.
Molecular consequence: missense variant (on NM_003982.4).
Genome position (GRCh38, 1-based): chr14:22,813,385, G>A on the plus strand (C>T on the coding strand, the complement: SLC7A7 is on the minus strand). VCF-style: chr14-22813385-G-A. GRCh37 (hg19) VCF-style: chr14-23282594-G-A.
Other names: c.14C>T, p.Thr5Ile (NM_001126105.3, NM_001126106.4, NM_003982.4); short protein forms T5I.
Identifiers: ClinVar variation 56344 (VCV000056344.3), dbSNP rs386833792, ClinGen allele CA263748.